The following is an entry in ClinVar:

ClinVar aggregate classification (germline): Pathogenic (1 of 4 stars; one submission).

Conditions:
Hereditary hemorrhagic telangiectasia (HHT). Also called: ORW DISEASE; Osler Weber Rendu syndrome; OSLER-RENDU-WEBER DISEASE; Osler hemorrhagic telangiectasia syndrome. Identifiers: Orphanet 774, MedGen C0039445, MONDO:0019180. Disease mechanism: loss of function.
Juvenile polyposis syndrome (JPS). Identifiers: Orphanet 2929, MedGen C0345893, MONDO:0017380, OMIM 174900.

Submission:

Labcorp Genetics (formerly Invitae), Labcorp
Classification: Pathogenic for Hereditary hemorrhagic telangiectasia. Last evaluated: 2024-06-24. Review status: criteria provided, single submitter. Criteria: Invitae Variant Classification Sherloc (09022015). Collection method: clinical testing. Allele origin: germline.
Comment: This sequence change affects a donor splice site in intron 8 of the ENG gene. It is expected to disrupt RNA splicing. Variants that disrupt the donor or acceptor splice site typically lead to a loss of protein function (PMID: 16199547), and loss-of-function variants in ENG are known to be pathogenic (PMID: 15879500). This variant is not present in population databases (gnomAD no frequency). Disruption of this splice site has been observed in individual(s) with hereditary hemorrhagic telangiectasia (PMID: 9245986, 15712271, 25970827). It has also been observed to segregate with disease in related individuals. ClinVar contains an entry for this variant (Variation ID: 1403449). Algorithms developed to predict the effect of sequence changes on RNA splicing suggest that this variant may disrupt the consensus splice site. For these reasons, this variant has been classified as Pathogenic.

Literature cited by the submitters: PubMed 16199547 (cited by Labcorp Genetics (formerly Invitae), Labcorp); PubMed 15879500 (cited by Labcorp Genetics (formerly Invitae), Labcorp); PubMed 9245986 (cited by Labcorp Genetics (formerly Invitae), Labcorp); PubMed 15712271 (cited by Labcorp Genetics (formerly Invitae), Labcorp); PubMed 25970827 (cited by Labcorp Genetics (formerly Invitae), Labcorp).

NM_001114753.3(ENG):c.1134+1G>A

Gene: ENG (endoglin; minus strand). Cytogenetic location: 9q34.11.
Variant type: single nucleotide variant.
Coding change: c.1134+1G>A on transcript NM_001114753.3 (MANE Select); the canonical splice donor site of the intron after coding-DNA position 1134, G replaced by A.
Molecular consequence: splice donor variant. On other transcripts: missense variant (1).
Genome position (GRCh38, 1-based): chr9:127,824,303, C>T on the plus strand (G>A on the coding strand, the complement: ENG is on the minus strand). VCF-style: chr9-127824303-C-T. GRCh37 (hg19) VCF-style: chr9-130586582-C-T.
Other names: c.1135G>A, p.Val379Ile (NM_001406715.1); c.1134+1G>A (NM_000118.4); c.588+1G>A (NM_001278138.2); short protein forms V379I.
Identifiers: ClinVar variation 1403449 (VCV001403449.8), dbSNP rs112809381, ClinGen allele CA374980580.